The following is an entry in ClinVar:

GRCh38/hg38 12q24.32-24.33(chr12:128425013-129333793)x3

Genes: GLT1D1 (glycosyltransferase 1 domain containing 1; plus strand), SLC15A4 (solute carrier family 15 member 4; minus strand), TMEM132C (transmembrane protein 132C; plus strand), TMEM132D (transmembrane protein 132D; minus strand), TMEM132D-AS1 (TMEM132D antisense RNA 1; plus strand) and 27 more. Cytogenetic location: 12q24.32-24.33.
Variant type: copy number gain.
Change: copy number 3 (three copies instead of two) of chr12:128,425,013-129,333,793 (908.8 kb, GRCh38 coordinates, 1-based), cytogenetic band 12q24.32-24.33.
Identifiers: ClinVar variation 4890933 (VCV004890933.1).

ClinVar aggregate classification (germline): Uncertain significance (1 of 4 stars; one submission).

Submission:

Clinical Genomics Laboratory, Laboratory for Precision Diagnostics, University of Washington
Classification: Uncertain significance. Last evaluated: 2023-05-19. Review status: criteria provided, single submitter. Criteria: ACMG/ClinGen CNV Guidelines, 2019. Collection method: clinical testing. Allele origin: unknown. Affected: yes. Observed: 1 variant allele.
Comment: This interstitial duplication is approximately 909 kb in size and affects four protein-coding genes. None of the genes in this region are known to cause medical problems in humans;when an extra copy is present (triplosensitivity), and this is not a known triplosensitive genomic region. However, CMA cannot distinguish tandem duplications from an insertion elsewhere in the genome with potential for pathogenic disruption of genes at the insertion site. The proximal breakpoint of the duplication is within TMEM132C and the distal breakpoint is within TMEM132D and the gene are transcribed from opposite strands. It is unknown whether this duplication would disrupt either of these genes, affect their expression, or form a new fusion gene between TMEM132C and TMEM132D. The classification of this duplication is uncertain, per ACMGG interpretation standards. It affects four protein-coding elements but doesn’t overlap any known dosage sensitive genes or regions. Two other similar duplications have been reported to ClinVar: VCV000150016.2 was found in a person with seizures; inheritance was unknown. VCV000151149.2 was found in a child with global developmental delay who had inherited the duplication from their father. No similar duplications are found in DECIPHER or reported in the medical literature. This duplication does not appear in databases of healthy controls (DGV, gnomAD).